The following is an entry in ClinVar:

NM_130849.4(SLC39A4):c.1704G>A (p.Thr568=)

Gene: SLC39A4 (solute carrier family 39 member 4; minus strand). Cytogenetic location: 8q24.3.
Variant type: single nucleotide variant.
Coding change: c.1704G>A on transcript NM_130849.4 (MANE Select); coding-DNA position 1704, G replaced by A.
Protein change: p.Thr568=; no amino-acid change (threonine 568 retained).
Molecular consequence: synonymous variant.
Genome position (GRCh38, 1-based): chr8:144,412,870, C>T on the plus strand (G>A on the coding strand, the complement: SLC39A4 is on the minus strand). VCF-style: chr8-144412870-C-T. GRCh37 (hg19) VCF-style: chr8-145638254-C-T.
Other names: c.210G>A, p.Thr70= (NM_001280557.2); c.1422G>A, p.Thr474= (NM_001374839.1); c.1629G>A, p.Thr543= (NM_017767.3).
Identifiers: ClinVar variation 709462 (VCV000709462.14), dbSNP rs115808560, ClinGen allele CA4941102.

ClinVar aggregate classification (germline): Benign/Likely benign. Review status: criteria provided, multiple submitters, no conflicts (2 of 4 stars). 4 submissions from 4 submitters: Benign (1); Likely benign (1). 2 of the submissions do not count toward it. Last evaluated 2026-01-28.

Conditions:
Hereditary acrodermatitis enteropathica (AEZ). Also called: Acrodermatitis enteropathica. Identifiers: Orphanet 37, MedGen C0221036, MONDO:0008713, OMIM 201100.
SLC39A4-related disorder. Also called: SLC39A4-related condition.

Allele frequency attached by ClinVar (database versions not stated): gnomAD exomes 0.00015 and 0.00040; ExAC 0.00044; 1000 Genomes Project 0.00100; 1000 Genomes Project 30x 0.00125; gnomAD 0.00152 and 0.00165; TOPMed 0.00160; ESP Exome Variant Server 0.00200.
gnomAD v4.1: 453 of 1,611,708 alleles (0.028%); highest among the groups gnomAD compares: African/African-American, 0.54%; 2 homozygotes.

Submissions (4):

Labcorp Genetics (formerly Invitae), Labcorp
Classification: Benign. Last evaluated: 2026-01-28. Review status: criteria provided, single submitter. Criteria: Invitae Variant Classification Sherloc (09022015). Collection method: clinical testing. Allele origin: germline.

Blueprint Genetics
Classification: Likely benign. Last evaluated: 2024-11-14. Review status: criteria provided, single submitter. Criteria: ACMG Guidelines, 2015. Collection method: clinical testing. Allele origin: germline.

Natera, Inc.
Classification: Likely benign for Acrodermatitis enteropathica. Last evaluated: 2020-06-05. Review status: no assertion criteria provided. Collection method: clinical testing. Allele origin: germline. Not counted in ClinVar's aggregate classification.

PreventionGenetics, part of Exact Sciences
Classification: Likely benign for SLC39A4-related condition. Last evaluated: 2019-11-25. Review status: no assertion criteria provided. Collection method: clinical testing. Allele origin: germline. Not counted in ClinVar's aggregate classification.
Comment: This variant is classified as likely benign based on ACMG/AMP sequence variant interpretation guidelines (Richards et al. 2015 PMID: 25741868, with internal and published modifications).